The following is an entry in ClinVar:

ClinVar aggregate classification (germline): Uncertain significance (1 of 4 stars; one submission).

Conditions:
Arrhythmogenic right ventricular dysplasia 9 (ARVD9). Also called: Arrhythmogenic Right Ventricular Dysplasia/Cardiomyopathy 9; ARRHYTHMOGENIC RIGHT VENTRICULAR DYSPLASIA, FAMILIAL, 9. Identifiers: MedGen C1836906, MONDO:0012180, OMIM 609040.

Submission:

Labcorp Genetics (formerly Invitae), Labcorp
Classification: Uncertain significance for Arrhythmogenic right ventricular dysplasia 9. Last evaluated: 2024-07-30. Review status: criteria provided, single submitter. Criteria: Invitae Variant Classification Sherloc (09022015). Collection method: clinical testing. Allele origin: germline.
Comment: This sequence change replaces glycine, which is neutral and non-polar, with arginine, which is basic and polar, at codon 247 of the PKP2 protein (p.Gly247Arg). This variant is not present in population databases (gnomAD no frequency). This variant has not been reported in the literature in individuals affected with PKP2-related conditions. An algorithm developed to predict the effect of missense changes on protein structure and function outputs the following: PolyPhen-2: "Possibly Damaging". The arginine amino acid residue is found in multiple mammalian species, which suggests that this missense change does not adversely affect protein function. In summary, the available evidence is currently insufficient to determine the role of this variant in disease. Therefore, it has been classified as a Variant of Uncertain Significance.

NM_001005242.3(PKP2):c.739G>A (p.Gly247Arg)

Gene: PKP2 (plakophilin 2; minus strand). Cytogenetic location: 12p11.21.
Variant type: single nucleotide variant.
Coding change: c.739G>A on transcript NM_001005242.3 (MANE Select); coding-DNA position 739, G replaced by A.
Protein change: p.Gly247Arg; replaces glycine 247 with arginine.
Molecular consequence: missense variant.
Genome position (GRCh38, 1-based): chr12:32,878,141, C>T on the plus strand (G>A on the coding strand, the complement: PKP2 is on the minus strand). VCF-style: chr12-32878141-C-T. GRCh37 (hg19) VCF-style: chr12-33031075-C-T.
Other names: c.739G>A, p.Gly247Arg (NM_001407155.1, NM_001407156.1, NM_001407157.1 and 2 more transcripts); c.412G>A, p.Gly138Arg (NM_001407158.1, NM_001407159.1, NM_001407160.1 and 1 more transcripts); short protein forms G138R, G247R.
Identifiers: ClinVar variation 3660970 (VCV003660970.2).